The following is an entry in ClinVar:

ClinVar aggregate classification (germline): Uncertain significance (1 of 4 stars; one submission).

Allele frequency attached by ClinVar (database versions not stated): TOPMed 0.00001; ExAC 0.00002.
gnomAD v4.1: 19 of 1,614,152 alleles (0.0012%); highest among the groups gnomAD compares: East Asian, 0.0045%; no homozygotes.

Submission:

Labcorp Genetics (formerly Invitae), Labcorp
Classification: Uncertain significance. Last evaluated: 2022-08-06. Review status: criteria provided, single submitter. Criteria: Invitae Variant Classification Sherloc (09022015). Collection method: clinical testing. Allele origin: germline.
Comment: This sequence change replaces arginine, which is basic and polar, with tryptophan, which is neutral and slightly polar, at codon 75 of the MPV17 protein (p.Arg75Trp). This variant is present in population databases (rs370061168, gnomAD 0.006%). This variant has not been reported in the literature in individuals affected with MPV17-related conditions. Advanced modeling of protein sequence and biophysical properties (such as structural, functional, and spatial information, amino acid conservation, physicochemical variation, residue mobility, and thermodynamic stability) performed at Invitae indicates that this missense variant is not expected to disrupt MPV17 protein function. In summary, the available evidence is currently insufficient to determine the role of this variant in disease. Therefore, it has been classified as a Variant of Uncertain Significance.

NM_002437.5(MPV17):c.223C>T (p.Arg75Trp)

Gene: MPV17 (mitochondrial inner membrane protein MPV17; minus strand). Cytogenetic location: 2p23.3.
Variant type: single nucleotide variant.
Coding change: c.223C>T on transcript NM_002437.5 (MANE Select); coding-DNA position 223, C replaced by T.
Protein change: p.Arg75Trp; replaces arginine 75 with tryptophan.
Molecular consequence: missense variant.
Genome position (GRCh38, 1-based): chr2:27,312,736, G>A on the plus strand (C>T on the coding strand, the complement: MPV17 is on the minus strand). VCF-style: chr2-27312736-G-A. GRCh37 (hg19) VCF-style: chr2-27535603-G-A.
Other names: short protein forms R75W.
Identifiers: ClinVar variation 1911723 (VCV001911723.2), dbSNP rs370061168, ClinGen allele CA1575625.
Genomic context (GRCh38, chr2:27,312,736, plus strand): 5'-TCACCTGATCCAACAACATCTTCTTCAGTGCATCCACTTTGGTGGTGCCAGGGATGAACC[G>A]ATCCAAAACCTTGTACCAGCCTCCTACCACAGGGCCCTGGAAGTAAACCCCAGATAGCAG-3'
Protein context (NP_002428.1, residues 65-85): VVGGWYKVLD[Arg75Trp]FIPGTTKVDA